The following continues an entry in ClinVar:

NM_000288.4(PEX7):c.903+1G>C

Gene: PEX7. ClinVar aggregate classification (germline): Pathogenic. Pathogenic (15).

Submissions 12 to 20 of 20:

Centre for Mendelian Genomics, University Medical Centre Ljubljana
Classification: Pathogenic for Peroxisome biogenesis disorder 9B. Last evaluated: 2016-01-01. Review status: criteria provided, single submitter. Criteria: ACMG Guidelines, 2015. Collection method: clinical testing. Allele origin: unknown. Affected: yes.
Comment: This variant was classified as: Pathogenic. The following ACMG criteria were applied in classifying this variant: PVS1,PS1,PS3,PM2,PP3.

Eurofins Ntd Llc (ga)
Classification: Pathogenic. Last evaluated: 2015-03-17. Review status: criteria provided, single submitter. Criteria: EGL Classification Definitions 2015. Collection method: clinical testing. Allele origin: germline. Observed: 1 variant allele, 1 heterozygote.

Genetic Services Laboratory, University of Chicago
Classification: Pathogenic for Rhizomelic chondrodysplasia punctata, type 1. Last evaluated: 2014-05-22. Review status: criteria provided, single submitter. Criteria: ACMG Guidelines, 2015. Collection method: clinical testing. Allele origin: germline. Inheritance: Autosomal recessive inheritance. Affected: yes.

Baylor Genetics
Classification: Pathogenic for Rhizomelic chondrodysplasia punctata type 1. Review status: criteria provided, single submitter. Criteria: ACMG Guidelines, 2015. Collection method: clinical testing. Allele origin: germline.

OMIM
Classification: Pathogenic for RHIZOMELIC CHONDRODYSPLASIA PUNCTATA, TYPE 1. Last evaluated: 2002-10-01. Review status: no assertion criteria provided. Collection method: literature only. Allele origin: germline. Not counted in ClinVar's aggregate classification.

Clinical Genetics, Academic Medical Center
Classification: Pathogenic. Review status: no assertion criteria provided. Collection method: clinical testing. Allele origin: germline. Affected: yes. Study: VKGL Data-share Consensus. Not counted in ClinVar's aggregate classification.

Diagnostic Laboratory, Department of Genetics, University Medical Center Groningen
Classification: Pathogenic. Review status: no assertion criteria provided. Collection method: clinical testing. Allele origin: germline. Affected: yes. Study: VKGL Data-share Consensus. Not counted in ClinVar's aggregate classification.

GeneReviews
No classification provided. Condition: Rhizomelic chondrodysplasia punctata type 1. Review status: no classification provided. Collection method: literature only. Allele origin: unknown. Not counted in ClinVar's aggregate classification.

Joint Genome Diagnostic Labs from Nijmegen and Maastricht, Radboudumc and MUMC+
Classification: Pathogenic. Review status: no assertion criteria provided. Collection method: clinical testing. Allele origin: germline. Affected: yes. Study: VKGL Data-share Consensus. Not counted in ClinVar's aggregate classification.

Literature cited by the submitters: PubMed 9090383 (cited by 3 submitters); PubMed 11781871 (cited by 5 submitters); PubMed 12325024 (cited by 7 submitters); PubMed 23572185 (cited by 4 submitters); PubMed 26408048 (cited by 3 submitters); PubMed 17576681 (cited by Labcorp Genetics (formerly Invitae), Labcorp); PubMed 9536098 (cited by Labcorp Genetics (formerly Invitae), Labcorp); PubMed 31964843 (cited by Athena Diagnostics); PubMed 31980526 (cited by Athena Diagnostics); PubMed 20301447 (cited by GeneReviews); NCBI Bookshelf NBK1270 (cited by GeneReviews).